The following is an entry in ClinVar:

ClinVar aggregate classification (germline): Likely benign (1 of 4 stars; one submission).

Allele frequency attached by ClinVar (database versions not stated): TOPMed 0.00012; 1000 Genomes Project 30x 0.00078; 1000 Genomes Project 0.00080.
gnomAD v4.1: 698 of 1,611,892 alleles (0.043%); highest among the groups gnomAD compares: South Asian, 0.61%; 6 homozygotes.

Submission:

CeGaT Center for Human Genetics Tuebingen
Classification: Likely benign. Last evaluated: 2022-10-01. Review status: criteria provided, single submitter. Criteria: CeGaT Center For Human Genetics Tuebingen Variant Classification Criteria Version 2. Collection method: clinical testing. Allele origin: germline. Affected: yes. Observed: 1 variant allele.
Comment: MROH2B: BP4, BP7

NM_173489.5(MROH2B):c.4287A>G (p.Glu1429=)

Gene: MROH2B (maestro heat like repeat family member 2B; minus strand). Cytogenetic location: 5p13.1.
Variant type: single nucleotide variant.
Coding change: c.4287A>G on transcript NM_173489.5 (MANE Select); coding-DNA position 4287, A replaced by G.
Protein change: p.Glu1429=; no amino-acid change (glutamic acid 1429 retained).
Molecular consequence: synonymous variant.
Genome position (GRCh38, 1-based): chr5:41,000,741, T>C on the plus strand (A>G on the coding strand, the complement: MROH2B is on the minus strand). VCF-style: chr5-41000741-T-C. GRCh37 (hg19) VCF-style: chr5-41000843-T-C.
Identifiers: ClinVar variation 2655446 (VCV002655446.24), dbSNP rs549836281, ClinGen allele CA3250511.